The following is an entry in ClinVar:

NM_001042492.3(NF1):c.4348G>C (p.Ala1450Pro)

Gene: NF1 (neurofibromin 1; plus strand). Cytogenetic location: 17q11.2.
Variant type: single nucleotide variant.
Coding change: c.4348G>C on transcript NM_001042492.3 (MANE Select); coding-DNA position 4348, G replaced by C.
Protein change: p.Ala1450Pro; replaces alanine 1450 with proline.
Molecular consequence: missense variant.
Genome position (GRCh38, 1-based): chr17:31,259,047, G>C. VCF-style: chr17-31259047-G-C. GRCh37 (hg19) VCF-style: chr17-29586065-G-C.
Other names: c.4285G>C, p.Ala1429Pro (NM_000267.4); short protein forms A1429P, A1450P.
Identifiers: ClinVar variation 4685387 (VCV004685387.1).

ClinVar aggregate classification (germline): Uncertain significance (1 of 4 stars; one submission).

Submission:

GeneDx
Classification: Uncertain significance. Last evaluated: 2025-07-09. Review status: criteria provided, single submitter. Criteria: GeneDx Variant Classification Process June 2021. Collection method: clinical testing. Allele origin: germline. Affected: yes.
Comment: Not observed at significant frequency in large population cohorts (gnomAD); In silico analysis supports that this missense variant has a deleterious effect on protein structure/function; Has not been previously published as pathogenic or benign to our knowledge; This variant is associated with the following publications: (PMID: 25486365, 22807134)